The following is an entry in ClinVar:

ClinVar aggregate classification (germline): Uncertain significance. Review status: criteria provided, multiple submitters, no conflicts (2 of 4 stars). 2 submissions from 2 submitters: Uncertain significance (2). Last evaluated 2025-10-06.

Conditions:
Optic atrophy with or without deafness, ophthalmoplegia, myopathy, ataxia, and neuropathy. Also called: OPTIC ATROPHY PLUS SYNDROME. Identifiers: MedGen C3276549, MONDO:0007429, OMIM 125250.

Allele frequency attached by ClinVar (database versions not stated): TOPMed below 0.00001.

Submissions (2):

Labcorp Genetics (formerly Invitae), Labcorp
Classification: Uncertain significance. Last evaluated: 2025-10-06. Review status: criteria provided, single submitter. Criteria: Invitae Variant Classification Sherloc (09022015). Collection method: clinical testing. Allele origin: germline.
Comment: This sequence change replaces glutamic acid, which is acidic and polar, with glutamine, which is neutral and polar, at codon 561 of the OPA1 protein (p.Glu561Gln). This variant is not present in population databases (gnomAD no frequency). This variant has not been reported in the literature in individuals affected with OPA1-related conditions. ClinVar contains an entry for this variant (Variation ID: 1299326). Invitae Evidence Modeling of protein sequence and biophysical properties (such as structural, functional, and spatial information, amino acid conservation, physicochemical variation, residue mobility, and thermodynamic stability) has been performed for this missense variant. However, the output from this modeling did not meet the statistical confidence thresholds required to predict the impact of this variant on OPA1 protein function. In summary, the available evidence is currently insufficient to determine the role of this variant in disease. Therefore, it has been classified as a Variant of Uncertain Significance.

Institute of Human Genetics, University of Leipzig Medical Center
Classification: Uncertain significance for Optic atrophy with or without deafness, ophthalmoplegia, myopathy, ataxia, and neuropathy. Last evaluated: 2021-09-22. Review status: criteria provided, single submitter. Criteria: ACMG Guidelines, 2015. Collection method: clinical testing. Allele origin: unknown. Affected: yes.

NM_130837.3(OPA1):c.1846G>C (p.Glu616Gln)

Genes: OPA1 (OPA1 mitochondrial dynamin like GTPase; plus strand), LOC126806913 (BRD4-independent group 4 enhancer GRCh37_chr3:193364377-193365576; plus strand). Cytogenetic location: 3q29.
Variant type: single nucleotide variant.
Coding change: c.1846G>C on transcript NM_130837.3 (MANE Select); coding-DNA position 1846, G replaced by C.
Protein change: p.Glu616Gln; replaces glutamic acid 616 with glutamine.
Molecular consequence: missense variant.
Genome position (GRCh38, 1-based): chr3:193,647,156, G>C. VCF-style: chr3-193647156-G-C. GRCh37 (hg19) VCF-style: chr3-193364945-G-C.
Other names: c.1312G>C, p.Glu438Gln (NM_001354663.2); c.1309G>C, p.Glu437Gln (NM_001354664.2); c.1681G>C, p.Glu561Gln (NM_015560.3); c.1573G>C, p.Glu525Gln (NM_130831.3); c.1627G>C, p.Glu543Gln (NM_130832.3); c.1684G>C, p.Glu562Gln (NM_130833.3); c.1735G>C, p.Glu579Gln (NM_130834.3); c.1738G>C, p.Glu580Gln (NM_130835.3); and 1 more; short protein forms E437Q, E438Q, E525Q, E543Q, E561Q, E562Q, E579Q, E580Q.
Identifiers: ClinVar variation 1299326 (VCV001299326.4), dbSNP rs1157991384, ClinGen allele CA355790546.